The following is an entry in ClinVar:

NM_006231.4(POLE):c.1915C>G (p.Arg639Gly)

Gene: POLE (DNA polymerase epsilon, catalytic subunit; minus strand). Cytogenetic location: 12q24.33.
Variant type: single nucleotide variant.
Coding change: c.1915C>G on transcript NM_006231.4 (MANE Select); coding-DNA position 1915, C replaced by G.
Protein change: p.Arg639Gly; replaces arginine 639 with glycine.
Molecular consequence: missense variant.
Genome position (GRCh38, 1-based): chr12:132,668,819, G>C on the plus strand (C>G on the coding strand, the complement: POLE is on the minus strand). VCF-style: chr12-132668819-G-C. GRCh37 (hg19) VCF-style: chr12-133245405-G-C.
Other names: short protein forms R639G.
Identifiers: ClinVar variation 3718920 (VCV003718920.2).
Genomic context (GRCh38, chr12:132,668,819, plus strand): 5'-TTAGGGCTGGGCAGAGAGAGCTCCGACTCTGACACGGGAAGTAAAGTCTCACCTGCAGGC[G>C]GTTGGTCAGGATGATGTTGGGGTACATGGCCCCCACGTCCAGGTGGTAGATGAGTGGACA-3'
Protein context (NP_006222.2, residues 629-649): AMYPNIILTN[Arg639Gly]LQPSAMVDEA

ClinVar aggregate classification (germline): Uncertain significance (1 of 4 stars; one submission).

Submission:

Labcorp Genetics (formerly Invitae), Labcorp
Classification: Uncertain significance. Last evaluated: 2026-01-05. Review status: criteria provided, single submitter. Criteria: Invitae Variant Classification Sherloc (09022015). Collection method: clinical testing. Allele origin: germline.
Comment: This sequence change replaces arginine, which is basic and polar, with glycine, which is neutral and non-polar, at codon 639 of the POLE protein (p.Arg639Gly). This variant is not present in population databases (gnomAD no frequency). This variant has not been reported in the literature in individuals affected with POLE-related conditions. ClinVar contains an entry for this variant (Variation ID: 3718920). Invitae Evidence Modeling of protein sequence and biophysical properties (such as structural, functional, and spatial information, amino acid conservation, physicochemical variation, residue mobility, and thermodynamic stability) indicates that this missense variant is expected to disrupt POLE protein function with a positive predictive value of 80%. In summary, the available evidence is currently insufficient to determine the role of this variant in disease. Therefore, it has been classified as a Variant of Uncertain Significance.